The following is an entry in ClinVar:

NM_006383.4(CIB2):c.369C>T (p.Ile123=)

Gene: CIB2 (calcium and integrin binding family member 2; minus strand). Cytogenetic location: 15q25.1.
Variant type: single nucleotide variant.
Coding change: c.369C>T on transcript NM_006383.4 (MANE Select); coding-DNA position 369, C replaced by T.
Protein change: p.Ile123=; no amino-acid change (isoleucine 123 retained).
Molecular consequence: synonymous variant. On other transcripts: non-coding transcript variant (1).
Genome position (GRCh38, 1-based): chr15:78,105,912, G>A on the plus strand (C>T on the coding strand, the complement: CIB2 is on the minus strand). VCF-style: chr15-78105912-G-A. GRCh37 (hg19) VCF-style: chr15-78398254-G-A.
Other names: c.240C>T, p.Ile80= (NM_001271888.2); c.222C>T, p.Ile74= (NM_001271889.2); c.384C>T, p.Ile128= (NM_001301224.2); c.369C>T (NM_006383.3).
Identifiers: ClinVar variation 1922499 (VCV001922499.6), dbSNP rs758763586, ClinGen allele CA7680181.

ClinVar aggregate classification (germline): Conflicting classifications of pathogenicity. Review status: criteria provided, conflicting classifications (1 of 4 stars). 2 submissions from 2 submitters: Uncertain significance (1); Likely benign (1). Last evaluated 2025-06-03.

Allele frequency attached by ClinVar (database versions not stated): gnomAD 0.00001; gnomAD exomes 0.00001; ExAC 0.00002.
gnomAD v4.1: 20 of 1,614,068 alleles (0.0012%); highest among the groups gnomAD compares: South Asian, 0.016%; no homozygotes.

Submissions (2):

GeneDx
Classification: Uncertain significance. Last evaluated: 2025-06-03. Review status: criteria provided, single submitter. Criteria: GeneDx Variant Classification Process June 2021. Collection method: clinical testing. Allele origin: germline. Affected: yes.
Comment: Has not been previously published as pathogenic or benign to our knowledge; In silico analysis suggests this variant may impact gene splicing. In the absence of RNA/functional studies, the actual effect of this sequence change is unknown.

Labcorp Genetics (formerly Invitae), Labcorp
Classification: Likely benign. Last evaluated: 2024-04-20. Review status: criteria provided, single submitter. Criteria: Invitae Variant Classification Sherloc (09022015). Collection method: clinical testing. Allele origin: germline.